The following is an entry in ClinVar:

ClinVar aggregate classification (germline): Pathogenic/Likely pathogenic. Review status: criteria provided, multiple submitters, no conflicts (2 of 4 stars). 6 submissions from 6 submitters: Pathogenic (4); Likely pathogenic (1). 1 of the submissions does not count toward it. Last evaluated 2026-01-15.

Conditions:
Cardiomyopathy-hypotonia-lactic acidosis syndrome (MPCD). Identifiers: Orphanet 91130, MedGen C1835845, MONDO:0012557, OMIM 610773.

Allele frequency attached by ClinVar (database versions not stated): TOPMed below 0.00001; ExAC 0.00001; gnomAD exomes 0.00001 and 0.00002.
gnomAD v4.1: 7 of 1,611,730 alleles (0.00043%); highest among the groups gnomAD compares: Admixed American, 0.005%; no homozygotes.

Submissions (6):

Labcorp Genetics (formerly Invitae), Labcorp
Classification: Pathogenic. Last evaluated: 2026-01-15. Review status: criteria provided, single submitter. Criteria: Invitae Variant Classification Sherloc (09022015). Collection method: clinical testing. Allele origin: germline.
Comment: This sequence change falls in intron 2 of the SLC25A3 gene. It does not directly change the encoded amino acid sequence of the SLC25A3 protein. This variant is present in population databases (rs745305932, gnomAD 0.009%). This variant has been observed in individuals with mitochondrial phosphate carrier deficiency (PMID: 21763135, 25681081, 34052969). It has also been observed to segregate with disease in related individuals. ClinVar contains an entry for this variant (Variation ID: 215165). Algorithms developed to predict the effect of sequence changes on RNA splicing suggest that this variant may disrupt the consensus splice site. For these reasons, this variant has been classified as Pathogenic.

Dasa
Classification: Pathogenic. Last evaluated: 2025-07-28. Review status: criteria provided, single submitter. Criteria: DASA Assertion Criteria. Collection method: clinical testing. Allele origin: germline.
Comment: NM_005888.4(SLC25A3):c.158-9A>G is a splice-region variant predicted to affect normal RNA splicing. Functional evidence supports a deleterious effect on the gene or gene product (PMID: 25681081; PMID: 21763135). This variant has been recurrently observed in individuals with related phenotype (PMID: 25681081; PMID: 21763135). Segregation evidence has been reported in affected families. The variant is present at low frequency in population datasets. Based on the available data, this variant is classified as pathogenic.

3billion
Classification: Pathogenic for Cardiomyopathy-hypotonia-lactic acidosis syndrome. Last evaluated: 2024-06-24. Review status: criteria provided, single submitter. Criteria: ACMG Guidelines, 2015. Collection method: clinical testing. Allele origin: germline. Affected: yes.
Comment: The variant is observed at an extremely low frequency in the gnomAD v4.0.0 dataset (total allele frequency: <0.001%). Predicted Consequence/Location: Intron variant: previously reported to alter splicing and result in a loss of normal protein function through nonsense-mediated decay (NMD) or protein truncation (PMID: 21763135). In silico tools predict the variant to alter splicing and produce an abnormal transcript [SpliceAI: 0.92 (spliceogenicity >=0.2, non-spliceogenicity <0.1)]. Intron variant: previously reported to alter splicing and result in a loss of normal protein function through nonsense-mediated decay (NMD) or protein truncation (PMID: 21763135). Therefore, this variant is classified as Pathogenic according to the recommendation of ACMG/AMP guideline.

GeneDx
Classification: Likely pathogenic. Last evaluated: 2024-06-12. Review status: criteria provided, single submitter. Criteria: GeneDx Variant Classification Process June 2021. Collection method: clinical testing. Allele origin: germline. Affected: yes.
Comment: cDNA studies demonstrate that the variant results in aberrant splicing resulting in a truncated protein (PMID: 21763135); Not observed at significant frequency in large population cohorts (gnomAD); This variant is associated with the following publications: (PMID: 34426522, 21763135, 25681081, 34052969, 26091567)

Rady Children's Institute for Genomic Medicine, Rady Children's Hospital San Diego
Classification: Pathogenic for MITOCHONDRIAL PHOSPHATE CARRIER DEFICIENCY. Review status: criteria provided, single submitter. Criteria: ACMG Guidelines, 2015. Collection method: clinical testing. Allele origin: germline. Affected: yes.
Comment: This variant has been previously reported as a homozygous change in affected individuals from two families with mitochondrial phosphate carrier deficiency (PMID: 21763135, 25681081). Experimental studies have shown that this intronic change results in altered splicing of the SLC25A3 mRNA and absent/reduced mitochondrial phosphate protein in patient muscle samples (PMID: 21763135). The c.158-9A>G variant is present in the heterozygous state in the gnomAD population database at a frequency of 0.002% (5/250186) and thus is presumed to be rare. Based on the available evidence, the c.158-9A>G variant is classified as Pathogenic.

OMIM
Classification: Pathogenic for MITOCHONDRIAL PHOSPHATE CARRIER DEFICIENCY. Last evaluated: 2011-11-01. Review status: no assertion criteria provided. Collection method: literature only. Allele origin: germline. Not counted in ClinVar's aggregate classification.

Literature cited by the submitters: PubMed 21763135 (cited by 4 submitters); PubMed 25681081 (cited by 4 submitters); PubMed 34052969 (cited by Labcorp Genetics (formerly Invitae), Labcorp).

NM_002635.4(SLC25A3):c.158-303A>G

Gene: SLC25A3 (solute carrier family 25 member 3; plus strand). Cytogenetic location: 12q23.1.
Variant type: single nucleotide variant.
Coding change: c.158-303A>G on transcript NM_002635.4 (MANE Select); 303 bases into the intron before coding-DNA position 158, A replaced by G.
Molecular consequence: intron variant.
Genome position (GRCh38, 1-based): chr12:98,595,424, A>G. VCF-style: chr12-98595424-A-G. GRCh37 (hg19) VCF-style: chr12-98989202-A-G.
Other names: IVS2AS, A-G, -9; c.158-303A>G (NM_213611.3); c.158-9A>G (NM_005888.4).
Identifiers: ClinVar variation 215165 (VCV000215165.17), dbSNP rs745305932, ClinGen allele CA319833.